The following is an entry in ClinVar:

NM_001018005.2(TPM1):c.772+17T>A

Gene: TPM1 (tropomyosin 1; plus strand). Cytogenetic location: 15q22.2.
Variant type: single nucleotide variant.
Coding change: c.772+17T>A on transcript NM_001018005.2 (MANE Select); 17 bases into the intron after coding-DNA position 772, T replaced by A.
Molecular consequence: intron variant.
Genome position (GRCh38, 1-based): chr15:63,062,662, T>A. VCF-style: chr15-63062662-T-A. GRCh37 (hg19) VCF-style: chr15-63354861-T-A.
Other names: c.772+17T>A (NM_001018007.2, NM_001018020.2, NM_001018006.2 and 6 more transcripts); c.898+17T>A (NM_001365778.1); c.664+17T>A (NM_001330351.2, NM_001330344.2, NM_001018008.2 and 5 more transcripts).
Identifiers: ClinVar variation 813934 (VCV000813934.1), dbSNP rs1596386853, ClinGen allele CA392724731.

ClinVar aggregate classification (germline): Uncertain significance (1 of 4 stars; one submission).

Conditions:
Hypertrophic cardiomyopathy 3. Also called: TPM1-Related Familial Hypertrophic Cardiomyopathy. Identifiers: MedGen C1861863, MONDO:0007267, OMIM 115196.

Submission:

Broad Center for Mendelian Genomics, Broad Institute of MIT and Harvard
Classification: Uncertain significance for Hypertrophic cardiomyopathy 3. Last evaluated: 2018-12-03. Review status: criteria provided, single submitter. Criteria: ACMG Guidelines, 2015. Collection method: research. Allele origin: germline. Inheritance: Autosomal dominant inheritance. Affected: yes.
Comment: This variant was absent from large population studies. Computational prediction tools and conservation analyses suggest that this variant may not impact the protein, though this information is not predictive enough to rule out pathogenicity. In summary, the clinical significance of the p.Ser227Arg variant is uncertain. ACMG/AMP Criteria applied: PM2, BP4 (Richards 2015).